The following is an entry in ClinVar:

NM_003476.5(CSRP3):c.535A>G (p.Thr179Ala)

Gene: CSRP3 (cysteine and glycine rich protein 3; minus strand). Cytogenetic location: 11p15.1.
Variant type: single nucleotide variant.
Coding change: c.535A>G on transcript NM_003476.5 (MANE Select); coding-DNA position 535, A replaced by G.
Protein change: p.Thr179Ala; replaces threonine 179 with alanine.
Molecular consequence: missense variant. On other transcripts: synonymous variant (1).
Genome position (GRCh38, 1-based): chr11:19,182,720, T>C on the plus strand (A>G on the coding strand, the complement: CSRP3 is on the minus strand). VCF-style: chr11-19182720-T-C. GRCh37 (hg19) VCF-style: chr11-19204267-T-C.
Other names: c.366A>G, p.Pro122= (NM_001369404.1); short protein forms T179A.
Identifiers: ClinVar variation 44701 (VCV000044701.23), dbSNP rs397516859, ClinGen allele CA134910.

ClinVar aggregate classification (germline): Conflicting classifications of pathogenicity. Review status: criteria provided, conflicting classifications (1 of 4 stars). 11 submissions from 11 submitters: Uncertain significance (7); Likely benign (1). 3 of the submissions do not count toward it. Last evaluated 2026-01-16.

Conditions:
CSRP3-related disorder. Also called: CSRP3-related disorders; CSRP3-related condition.
Cardiovascular phenotype. Identifiers: MedGen CN230736.
Hypertrophic cardiomyopathy 12. Identifiers: MedGen C2677491, MONDO:0012804, OMIM 612124.
Dilated cardiomyopathy 1M (CMD1M). Identifiers: Orphanet 154, MedGen C1843808, MONDO:0011840, OMIM 607482.
Cardiomyopathy (CMYO). Also called: Cardiomyopathies. Identifiers: Orphanet 167848, MedGen C0878544, MONDO:0004994, HP:0001638. Inheritance: Various modes of inheritance.

Allele frequency attached by ClinVar (database versions not stated): gnomAD exomes 0.00001 and 0.00002; ExAC 0.00002; gnomAD 0.00005; TOPMed 0.00005.
gnomAD v4.1: 43 of 1,614,052 alleles (0.0027%); highest among the groups gnomAD compares: Non-Finnish European, 0.0034%; no homozygotes.

Submissions (11):

Women's Health and Genetics/Laboratory Corporation of America, LabCorp
Classification: Likely benign. Last evaluated: 2026-01-16. Review status: criteria provided, single submitter. Criteria: LabCorp Variant Classification Summary - May 2015. Collection method: clinical testing. Allele origin: germline.
Comment: Variant summary: CSRP3 c.535A>G (p.Thr179Ala) results in a non-conservative amino acid change in the encoded protein sequence. Algorithms developed to predict the effect of missense changes on protein structure and function are either unavailable or do not agree on the potential impact of this missense change. The variant allele was found at a frequency of 2.7e-05 in 1614052 control chromosomes, predominantly at a frequency of 3.4e-05 within the Non-Finnish European subpopulation in the gnomAD database. The observed variant frequency within Non-Finnish European control individuals in the gnomAD database exceeds the estimated maximal expected allele frequency for disease-causing variants in CSRP3. c.535A>G has been observed in individual(s) affected with Dilated Cardiomyopathy without strong evidence for causality (e.g. Zimmerman_2010, Pugh_2014, Walsh_2017). These report(s) do not provide unequivocal conclusions about association of the variant with Cardiomyopathy. To our knowledge, no experimental evidence demonstrating an impact on protein function has been reported. The following publications have been ascertained in the context of this evaluation (PMID: 24503780, 27532257, 20474083, 30847666). ClinVar contains an entry for this variant (Variation ID: 44701). Based on the evidence outlined above, the variant was classified as likely benign.

PreventionGenetics, part of Exact Sciences
Classification: Uncertain significance for CSRP3-related condition. Last evaluated: 2025-10-31. Review status: criteria provided, single submitter. Criteria: ACMG Guidelines, 2015. Collection method: clinical testing. Allele origin: germline.
Comment: The CSRP3 c.535A>G variant is predicted to result in the amino acid substitution p.Thr179Ala. This variant has been reported as a variant of uncertain significance in an individual with dilated cardiomyopathy (Table S1B, Walsh et al. 2017. PubMed ID: 27532257). This variant is reported in 0.0033% of alleles in individuals of South Asian descent in gnomAD. At this time, the clinical significance of this variant is uncertain due to the absence of conclusive functional and genetic evidence.

Labcorp Genetics (formerly Invitae), Labcorp
Classification: Uncertain significance for Hypertrophic cardiomyopathy 12; Dilated cardiomyopathy 1M. Last evaluated: 2024-11-18. Review status: criteria provided, single submitter. Criteria: Invitae Variant Classification Sherloc (09022015). Collection method: clinical testing. Allele origin: germline.
Comment: This sequence change replaces threonine, which is neutral and polar, with alanine, which is neutral and non-polar, at codon 179 of the CSRP3 protein (p.Thr179Ala). This variant is present in population databases (rs397516859, gnomAD 0.003%). This missense change has been observed in individual(s) with dilated cardiomyopathy (PMID: 24503780, 27532257). ClinVar contains an entry for this variant (Variation ID: 44701). An algorithm developed to predict the effect of missense changes on protein structure and function (PolyPhen-2) suggests that this variant¬¨‚Ä†is likely to be tolerated. In summary, the available evidence is currently insufficient to determine the role of this variant in disease. Therefore, it has been classified as a Variant of Uncertain Significance.

GeneDx
Classification: Uncertain significance. Last evaluated: 2023-10-18. Review status: criteria provided, single submitter. Criteria: GeneDx Variant Classification Process June 2021. Collection method: clinical testing. Allele origin: germline. Affected: yes.
Comment: Reported in individuals with DCM (PMID: 20474083, 24503780, 27532257); Not observed at significant frequency in large population cohorts (gnomAD); In silico analysis supports that this missense variant does not alter protein structure/function; This variant is associated with the following publications: (PMID: 27532257, 24503780, 30847666, 20474083)

Ambry Genetics
Classification: Uncertain significance for Cardiovascular phenotype. Last evaluated: 2023-05-16. Review status: criteria provided, single submitter. Criteria: Ambry General Variant Classification Scheme_2022. Collection method: clinical testing. Allele origin: germline.
Comment: The p.T179A variant (also known as c.535A>G), located in coding exon 5 of the CSRP3 gene, results from an A to G substitution at nucleotide position 535. The threonine at codon 179 is replaced by alanine, an amino acid with similar properties. This alteration has been detected in a dilated cardiomyopathy cohort (Pugh TJ et al. Genet. Med., 2014 Aug;16:601-8; Walsh R et al. Genet. Med., 2017 02;19:192-203). This amino acid position is not well conserved in available vertebrate species. In addition, this alteration is predicted to be tolerated by in silico analysis. Since supporting evidence is limited at this time, the clinical significance of this alteration remains unclear.

Fulgent Genetics
Classification: Uncertain significance for Dilated cardiomyopathy 1M; Hypertrophic cardiomyopathy 12. Last evaluated: 2021-07-22. Review status: criteria provided, single submitter. Criteria: ACMG Guidelines, 2015. Collection method: clinical testing. Allele origin: unknown.

Victorian Clinical Genetics Services, Murdoch Childrens Research Institute
Classification: Uncertain significance for Cardiomyopathy. Last evaluated: 2020-05-26. Review status: criteria provided, single submitter. Criteria: ACMG Guidelines, 2015. Collection method: clinical testing. Allele origin: germline. Inheritance: Autosomal dominant inheritance.
Comment: Based on the classification scheme VCGS_Germline_v1.1.1, this variant is classified as VUS – 3B. Following criteria are met: 0102 - Loss-of-function is a known mechanism of disease for this gene. (N) 0107 - This gene is known to be associated with autosomal dominant disease. (N) 0200 - Variant is predicted to result in a missense amino acid change from threonine to alanine (Exon 7). (N) 0251 - Variant is heterozygous. (N) 0302 - Variant is present in gnomAD <0.001 for a dominant condition (4 heterozygotes). (P) 0309 - Alternative amino acid changes at the same position has been observed in gnomAD: p.(Thr179Met) 0.003% (8 heterozygotes), p.(Thr179Arg) 0.0004% (1 heterozygote). (N) 0502 - Missense variant with conflicting in-silico predictions and/or uninformative conservation. (N) 0604 - Variant is not located in an established domain, motif, hotspot or informative constraint region. (N) 0708 - Comparable variants have conflicting previous evidence for pathogenicity. p.(Thr179Met) - one likely pathogenic and three VUS entries in ClinVar. (N) 0808 - Previous reports of pathogenicity are uncertain. Four VUS entries in ClinVar. Reported as a VUS in a DCM patient and a cardiomyopathy patient (PMID: 24503780, PMID: 30847666). (N) 0905 - No segregation evidence has been identified for this variant. (N) 1007 - No published functional evidence has been identified for this variant. (N) 1208 - Inheritance information for this variant is not currently available. (N) Legend: (P) – Pathogenic, (N) – Neutral, (B) - Benign

CHEO Genetics Diagnostic Laboratory, Children's Hospital of Eastern Ontario
Classification: Uncertain significance for Cardiomyopathy. Last evaluated: 2016-04-28. Review status: criteria provided, single submitter. Criteria: ACMG Guidelines, 2015. Collection method: clinical testing. Allele origin: germline. Study: Canadian Open Genetics Repository.

Laboratory for Molecular Medicine, Mass General Brigham Personalized Medicine
Classification: Uncertain significance. Last evaluated: 2009-03-22. Review status: no assertion criteria provided. Collection method: clinical testing. Allele origin: germline. Observed: 1 variant allele. Not counted in ClinVar's aggregate classification.

Clinical Genetics, Academic Medical Center
Classification: Uncertain significance. Review status: no assertion criteria provided. Collection method: clinical testing. Allele origin: germline. Affected: yes. Study: VKGL Data-share Consensus. Not counted in ClinVar's aggregate classification.

Joint Genome Diagnostic Labs from Nijmegen and Maastricht, Radboudumc and MUMC+
Classification: Uncertain significance. Review status: no assertion criteria provided. Collection method: clinical testing. Allele origin: germline. Affected: yes. Study: VKGL Data-share Consensus. Not counted in ClinVar's aggregate classification.

Literature cited by the submitters: PubMed 20474083 (cited by Women's Health and Genetics/Laboratory Corporation of America, LabCorp); PubMed 24503780 (cited by 4 submitters); PubMed 27532257 (cited by Women's Health and Genetics/Laboratory Corporation of America, LabCorp and Labcorp Genetics (formerly Invitae), Labcorp); PubMed 30847666 (cited by 3 submitters); PubMed 31983221 (cited by Ambry Genetics).